The following is an entry in ClinVar:

NM_000152.5(GAA):c.483del (p.Lys162fs)

Gene: GAA (alpha glucosidase; plus strand). Cytogenetic location: 17q25.3.
Variant type: Deletion.
Coding change: c.483del on transcript NM_000152.5 (MANE Select); coding-DNA position 483, one base deleted (C; older notation c.483delC).
Protein change: p.Lys162fs; shifts the reading frame from lysine 162.
Molecular consequence: frameshift variant.
Genome position (GRCh38, 1-based): chr17:80,105,069, C deleted; the last of 4 consecutive C bases (chr17:80,105,066-80,105,069); deleting any one gives the same sequence. VCF-style (leftmost placement, unchanged base first): chr17-80105065-TC-T. GRCh37 (hg19) VCF-style: chr17-78078864-TC-T.
Other names: c.483del, p.Lys162fs (NM_001079803.3, NM_001079804.3, NM_001406741.1 and 1 more transcripts); short protein forms K162fs.
Identifiers: ClinVar variation 4719841 (VCV004719841.1).

ClinVar aggregate classification (germline): Pathogenic (1 of 4 stars; one submission).

Conditions:
Glycogen storage disease, type II (IOPD). Also called: GLYCOGENOSIS, GENERALIZED, CARDIAC FORM; GSD II; Glycogen storage disease type 2; Acid maltase deficiency disease; Aglucosidase alfa; Deficiency of alpha-glucosidase. Identifiers: Orphanet 365, MedGen C0017921, MONDO:0009290, OMIM 232300.

Submission:

Labcorp Genetics (formerly Invitae), Labcorp
Classification: Pathogenic for Glycogen storage disease, type II. Last evaluated: 2025-05-19. Review status: criteria provided, single submitter. Criteria: Invitae Variant Classification Sherloc (09022015). Collection method: clinical testing. Allele origin: germline.
Comment: This sequence change creates a premature translational stop signal (p.Lys162Argfs*4) in the GAA gene. It is expected to result in an absent or disrupted protein product. Loss-of-function variants in GAA are known to be pathogenic (PMID: 18425781, 22252923). This variant is not present in population databases (gnomAD no frequency). This variant has not been reported in the literature in individuals affected with GAA-related conditions. For these reasons, this variant has been classified as Pathogenic.

Literature cited by the submitters: PubMed 18425781; PubMed 22252923.